The following is an entry in ClinVar:

NM_000257.4(MYH7):c.2162+5G>T

Gene: MYH7 (myosin heavy chain 7; minus strand). Cytogenetic location: 14q11.2.
Variant type: single nucleotide variant.
Coding change: c.2162+5G>T on transcript NM_000257.4 (MANE Select); 5 bases into the intron after coding-DNA position 2162, G replaced by T.
Molecular consequence: intron variant.
Genome position (GRCh38, 1-based): chr14:23,425,959, C>A on the plus strand (G>T on the coding strand, the complement: MYH7 is on the minus strand). VCF-style: chr14-23425959-C-A. GRCh37 (hg19) VCF-style: chr14-23895168-C-A.
Identifiers: ClinVar variation 2014949 (VCV002014949.4), dbSNP rs2502289213, ClinGen allele CA2580088011.
Genomic context (GRCh38, chr14:23,425,959, plus strand): 5'-CCCATTCCCATCAGGGCAGCCTGGCTCCCCCTGTTCTATGAGCTCTGGTGCACCCTCATA[C>A]CCACCTCTGCCGGAAGTCCCCGTAGAGGATGCGGTTGGGGAAGCCTTTCCTGCAGATGCG-3'

ClinVar aggregate classification (germline): Uncertain significance (1 of 4 stars; one submission).

Conditions:
Hypertrophic cardiomyopathy. Also called: HYPERTROPHIC MYOCARDIOPATHY. Identifiers: Orphanet 217569, MedGen C0007194, MeSH D002312, MONDO:0005045, HP:0001639.

Submission:

Labcorp Genetics (formerly Invitae), Labcorp
Classification: Uncertain significance for Hypertrophic cardiomyopathy. Last evaluated: 2022-07-08. Review status: criteria provided, single submitter. Criteria: Invitae Variant Classification Sherloc (09022015). Collection method: clinical testing. Allele origin: germline.
Comment: In summary, the available evidence is currently insufficient to determine the role of this variant in disease. Therefore, it has been classified as a Variant of Uncertain Significance. Variants that disrupt the consensus splice site are a relatively common cause of aberrant splicing (PMID: 17576681, 9536098). Algorithms developed to predict the effect of sequence changes on RNA splicing suggest that this variant is not likely to affect RNA splicing. This variant has not been reported in the literature in individuals affected with MYH7-related conditions. This variant is not present in population databases (gnomAD no frequency). This sequence change falls in intron 19 of the MYH7 gene. It does not directly change the encoded amino acid sequence of the MYH7 protein. It affects a nucleotide within the consensus splice site.

Literature cited by the submitters: PubMed 17576681; PubMed 9536098.